The following is an entry in ClinVar:

NM_001042492.3(NF1):c.1949del (p.Leu650fs)

Gene: NF1 (neurofibromin 1; plus strand). Cytogenetic location: 17q11.2.
Variant type: Deletion.
Coding change: c.1949del on transcript NM_001042492.3 (MANE Select); coding-DNA position 1949, one base deleted (T; older notation c.1949delT).
Protein change: p.Leu650fs; shifts the reading frame from leucine 650.
Molecular consequence: frameshift variant.
Genome position (GRCh38, 1-based): chr17:31,225,198, T deleted; the last of 2 consecutive T bases (chr17:31,225,197-31,225,198); deleting either gives the same sequence. VCF-style (leftmost placement, unchanged base first): chr17-31225196-AT-A. GRCh37 (hg19) VCF-style: chr17-29552214-AT-A.
Other names: c.1949del, p.Leu650fs (NM_000267.4); short protein forms L650fs.
Identifiers: ClinVar variation 4531170 (VCV004531170.1).

ClinVar aggregate classification (germline): Pathogenic (1 of 4 stars; one submission).

Conditions:
Neurofibromatosis, type 1 (NF1). Also called: Neurofibromatosis, type I; Peripheral type neurofibromatosis; VON RECKLINGHAUSEN DISEASE; NEUROFIBROMATOSIS, TYPE I, SOMATIC. Identifiers: Orphanet 636, MedGen C0027831, MONDO:0018975, OMIM 162200. Disease mechanism: loss of function.

Submission:

Department of Clinical Genetics, Copenhagen University Hospital, Rigshospitalet
Classification: Pathogenic for Neurofibromatosis, type 1. Last evaluated: 2025-10-02. Review status: criteria provided, single submitter. Criteria: ACMG Guidelines, 2015. Collection method: clinical testing. Allele origin: germline.
Comment: The following ACMG criteria has been used: PVS1, PM2_su, PP4_mod